The following is an entry in ClinVar:

NM_001042413.2(GLIS3):c.*2806G>A

Gene: GLIS3 (GLIS family zinc finger 3; minus strand). Cytogenetic location: 9p24.2.
Variant type: single nucleotide variant.
Coding change: c.*2806G>A on transcript NM_001042413.2 (MANE Select); 2806 bases downstream of the stop codon, G replaced by A.
Molecular consequence: 3 prime UTR variant.
Genome position (GRCh38, 1-based): chr9:3,825,466, C>T on the plus strand (G>A on the coding strand, the complement: GLIS3 is on the minus strand). VCF-style: chr9-3825466-C-T. GRCh37 (hg19) VCF-style: chr9-3825466-C-T.
Other names: c.*2806G>A (NM_152629.4).
Identifiers: ClinVar variation 366911 (VCV000366911.5), dbSNP rs12351289, ClinGen allele CA10633697.

ClinVar aggregate classification (germline): Benign (1 of 4 stars; one submission).

Conditions:
Neonatal diabetes mellitus with congenital hypothyroidism. Also called: NDH SYNDROME. Identifiers: Orphanet 79118, MedGen C1857775, MONDO:0012436, OMIM 610199.

Allele frequency attached by ClinVar (database versions not stated): gnomAD 0.02858 and 0.03061; 1000 Genomes Project 0.03035; TOPMed 0.03094; 1000 Genomes Project 30x 0.03217.

Submission:

Illumina Laboratory Services, Illumina
Classification: Benign for Neonatal diabetes mellitus with congenital hypothyroidism. Last evaluated: 2018-01-12. Review status: criteria provided, single submitter. Criteria: ICSL Variant Classification Criteria 13 December 2019. Collection method: clinical testing. Allele origin: germline.
Comment: This variant was observed in the ICSL laboratory as part of a predisposition screen in an ostensibly healthy population. It had not been previously curated by ICSL or reported in the Human Gene Mutation Database (HGMD: prior to June 1st, 2018), and was therefore a candidate for classification through an automated scoring system. Utilizing variant allele frequency, disease prevalence and penetrance estimates, and inheritance mode, an automated score was calculated to assess if this variant is too frequent to cause the disease. Based on the score and internal cut-off values, a variant classified as benign is not then subjected to further curation. The score for this variant resulted in a classification of benign for this disease.